The following is an entry in ClinVar:

ClinVar aggregate classification (germline): Uncertain significance. Review status: criteria provided, multiple submitters, no conflicts (2 of 4 stars). 5 submissions from 5 submitters: Uncertain significance (5). Last evaluated 2025-10-01.

Conditions:
Mismatch repair cancer syndrome 4. Identifiers: MedGen C5436817, MONDO:0030843, OMIM 619101.
Hereditary cancer-predisposing syndrome. Also called: Neoplastic Syndromes, Hereditary; Tumor predisposition; Hereditary neoplastic syndrome; Hereditary Cancer Syndrome. Identifiers: Orphanet 140162, MedGen C0027672, MeSH D009386, MONDO:0015356.
Lynch syndrome. Identifiers: Orphanet 144, MedGen C4552100, MONDO:0005835. Disease mechanism: loss of function.
Hereditary nonpolyposis colorectal neoplasms. Identifiers: MedGen C0009405, MeSH D003123.

Allele frequency attached by ClinVar (database versions not stated): gnomAD exomes below 0.00001.
gnomAD v4.1: 2 of 1,614,122 alleles (0.00012%); highest among the groups gnomAD compares: Non-Finnish European, 0.000085%; no homozygotes.

Submissions (5):

Labcorp Genetics (formerly Invitae), Labcorp
Classification: Uncertain significance for Hereditary nonpolyposis colorectal neoplasms. Last evaluated: 2025-10-01. Review status: criteria provided, single submitter. Criteria: Invitae Variant Classification Sherloc (09022015). Collection method: clinical testing. Allele origin: germline.
Comment: This sequence change replaces glutamic acid, which is acidic and polar, with lysine, which is basic and polar, at codon 225 of the PMS2 protein (p.Glu225Lys). This variant is not present in population databases (gnomAD no frequency). This variant has not been reported in the literature in individuals affected with PMS2-related conditions. ClinVar contains an entry for this variant (Variation ID: 628458). Invitae Evidence Modeling incorporating data from in vitro experimental studies (internal data) indicates that this missense variant is not expected to disrupt PMS2 function with a negative predictive value of 95%. In summary, the available evidence is currently insufficient to determine the role of this variant in disease. Therefore, it has been classified as a Variant of Uncertain Significance.

Ambry Genetics
Classification: Uncertain significance for Hereditary cancer-predisposing syndrome. Last evaluated: 2024-05-31. Review status: criteria provided, single submitter. Criteria: Ambry Variant Classification Scheme 2023. Collection method: clinical testing. Allele origin: germline.
Comment: The p.E225K variant (also known as c.673G>A), located in coding exon 6 of the PMS2 gene, results from a G to A substitution at nucleotide position 673. The glutamic acid at codon 225 is replaced by lysine, an amino acid with similar properties. This amino acid position is not well conserved in available vertebrate species. In addition, the in silico prediction for this alteration is inconclusive. Based on the available evidence, the clinical significance of this variant remains unclear.

Department of Pathology and Laboratory Medicine, Sinai Health System
Classification: Uncertain significance for Mismatch repair cancer syndrome 4. Last evaluated: 2024-05-15. Review status: criteria provided, single submitter. Criteria: ACMG Guidelines, 2015. Collection method: clinical testing. Allele origin: germline. Affected: yes.

Color Diagnostics, LLC DBA Color Health
Classification: Uncertain significance for Hereditary cancer-predisposing syndrome. Last evaluated: 2024-03-07. Review status: criteria provided, single submitter. Criteria: ACMG Guidelines, 2015. Collection method: clinical testing. Allele origin: germline.
Comment: This missense variant replaces glutamic acid with lysine at codon 225 of the PMS2 protein. Computational prediction suggests that this variant may not impact protein structure and function (internally defined REVEL score threshold <= 0.5, PMID: 27666373). To our knowledge, functional studies have not been reported for this variant. This variant has not been reported in individuals affected with PMS2-related disorders in the literature. This variant has not been identified in the general population by the Genome Aggregation Database (gnomAD). The available evidence is insufficient to determine the role of this variant in disease conclusively. Therefore, this variant is classified as a Variant of Uncertain Significance.

All of Us Research Program, National Institutes of Health
Classification: Uncertain significance for Lynch syndrome. Last evaluated: 2023-04-03. Review status: criteria provided, single submitter. Criteria: ACMG Guidelines, 2015. Collection method: clinical testing. Allele origin: germline. Inheritance: Autosomal dominant inheritance. Observed: 1 variant allele, 1 heterozygote.
Comment: This missense variant replaces glutamic acid with lysine at codon 225 of the PMS2 protein. Computational prediction suggests that this variant may not impact protein structure and function (internally defined REVEL score threshold <= 0.5, PMID: 27666373). Splice site prediction tools suggest that this variant may not impact RNA splicing. To our knowledge, functional studies have not been reported for this variant. This variant has not been reported in individuals affected with hereditary cancer in the literature. This variant has not been identified in the general population by the Genome Aggregation Database (gnomAD). The available evidence is insufficient to determine the role of this variant in disease conclusively. Therefore, this variant is classified as a Variant of Uncertain Significance.

This study involves interpretation of variants in research participants for the purpose of population health screening. Participant phenotype was not available at the time of variant classification. Additional details can be found in publication PMID: 35346344, PMCID: PMC8962531

NM_000535.7(PMS2):c.673G>A (p.Glu225Lys)

Gene: PMS2 (PMS1 homolog 2, mismatch repair system component; minus strand). Cytogenetic location: 7p22.1.
Variant type: single nucleotide variant.
Coding change: c.673G>A on transcript NM_000535.7 (MANE Select); coding-DNA position 673, G replaced by A.
Protein change: p.Glu225Lys; replaces glutamic acid 225 with lysine.
Molecular consequence: missense variant. On other transcripts: 5 prime UTR variant (2), non-coding transcript variant (1), intron variant (1).
Genome position (GRCh38, 1-based): chr7:5,999,140, C>T on the plus strand (G>A on the coding strand, the complement: PMS2 is on the minus strand). VCF-style: chr7-5999140-C-T. GRCh37 (hg19) VCF-style: chr7-6038771-C-T.
Other names: c.268G>A, p.Glu90Lys (NM_001322003.2, NM_001322004.2, NM_001322005.2 and 2 more transcripts); c.673G>A, p.Glu225Lys (NM_001322006.2, NM_001322014.2); c.355G>A, p.Glu119Lys (NM_001322007.2, NM_001322008.2); c.-261G>A (NM_001322011.2, NM_001322012.2); c.364G>A, p.Glu122Lys (NM_001322015.2); c.133-1717G>A (NM_001322013.2); short protein forms E225K, E119K, E122K, E90K.
Identifiers: ClinVar variation 628458 (VCV000628458.20), dbSNP rs1562677770, ClinGen allele CA366743875.